The following is an entry in ClinVar:

ClinVar aggregate classification (germline): Uncertain significance (1 of 4 stars; one submission).

Submission:

Labcorp Genetics (formerly Invitae), Labcorp
Classification: Uncertain significance. Last evaluated: 2024-11-06. Review status: criteria provided, single submitter. Criteria: Invitae Variant Classification Sherloc (09022015). Collection method: clinical testing. Allele origin: germline.
Comment: This sequence change replaces valine, which is neutral and non-polar, with alanine, which is neutral and non-polar, at codon 440 of the HIVEP2 protein (p.Val440Ala). This variant is not present in population databases (gnomAD no frequency). This variant has not been reported in the literature in individuals affected with HIVEP2-related conditions. Invitae Evidence Modeling of protein sequence and biophysical properties (such as structural, functional, and spatial information, amino acid conservation, physicochemical variation, residue mobility, and thermodynamic stability) indicates that this missense variant is not expected to disrupt HIVEP2 protein function with a negative predictive value of 80%. In summary, the available evidence is currently insufficient to determine the role of this variant in disease. Therefore, it has been classified as a Variant of Uncertain Significance.

NM_006734.4(HIVEP2):c.1319T>C (p.Val440Ala)

Gene: HIVEP2 (HIVEP zinc finger 2; minus strand). Cytogenetic location: 6q24.2.
Variant type: single nucleotide variant.
Coding change: c.1319T>C on transcript NM_006734.4 (MANE Select); coding-DNA position 1319, T replaced by C.
Protein change: p.Val440Ala; replaces valine 440 with alanine.
Molecular consequence: missense variant.
Genome position (GRCh38, 1-based): chr6:142,773,420, A>G on the plus strand (T>C on the coding strand, the complement: HIVEP2 is on the minus strand). VCF-style: chr6-142773420-A-G. GRCh37 (hg19) VCF-style: chr6-143094557-A-G.
Other names: short protein forms V440A.
Identifiers: ClinVar variation 3681726 (VCV003681726.2).